The following is an entry in ClinVar:

ClinVar aggregate classification (germline): Uncertain significance. Review status: criteria provided, multiple submitters, no conflicts (2 of 4 stars). 2 submissions from 2 submitters: Uncertain significance (2). Last evaluated 2022-05-30.

Conditions:
Arterial calcification, generalized, of infancy, 2. Identifiers: Orphanet 51608, MedGen C3276161, MONDO:0013768, OMIM 614473.
Autosomal recessive inherited pseudoxanthoma elasticum (PXE). Identifiers: Orphanet 758, MedGen CN032334, MONDO:0009925, OMIM 264800.
Pseudoxanthoma elasticum, forme fruste. Also called: Pseudoxanthoma Elasticum, Incomplete; PSEUDOXANTHOMA ELASTICUM, HETEROZYGOUS. Identifiers: Orphanet 758, MedGen C1867450, MONDO:0008333, OMIM 177850.

gnomAD v4.1: 8 of 1,613,590 alleles (0.0005%); highest among the groups gnomAD compares: Admixed American, 0.01%; no homozygotes.

Submissions (2):

Labcorp Genetics (formerly Invitae), Labcorp
Classification: Uncertain significance. Last evaluated: 2022-05-30. Review status: criteria provided, single submitter. Criteria: Invitae Variant Classification Sherloc (09022015). Collection method: clinical testing. Allele origin: germline.
Comment: This sequence change replaces proline, which is neutral and non-polar, with glutamine, which is neutral and polar, at codon 1483 of the ABCC6 protein (p.Pro1483Gln). This variant is present in population databases (no rsID available, gnomAD 0.01%). This variant has not been reported in the literature in individuals affected with ABCC6-related conditions. ClinVar contains an entry for this variant (Variation ID: 1484716). Advanced modeling of protein sequence and biophysical properties (such as structural, functional, and spatial information, amino acid conservation, physicochemical variation, residue mobility, and thermodynamic stability) performed at Invitae indicates that this missense variant is expected to disrupt ABCC6 protein function. In summary, the available evidence is currently insufficient to determine the role of this variant in disease. Therefore, it has been classified as a Variant of Uncertain Significance.

Fulgent Genetics
Classification: Uncertain significance for Pseudoxanthoma elasticum, forme fruste; Autosomal recessive inherited pseudoxanthoma elasticum; Arterial calcification, generalized, of infancy, 2. Last evaluated: 2022-04-01. Review status: criteria provided, single submitter. Criteria: ACMG Guidelines, 2015. Collection method: clinical testing. Allele origin: unknown.

NM_001171.6(ABCC6):c.4448C>A (p.Pro1483Gln)

Gene: ABCC6 (ATP binding cassette subfamily C member 6; minus strand). Cytogenetic location: 16p13.11.
Variant type: single nucleotide variant.
Coding change: c.4448C>A on transcript NM_001171.6 (MANE Select); coding-DNA position 4448, C replaced by A.
Protein change: p.Pro1483Gln; replaces proline 1483 with glutamine.
Molecular consequence: missense variant. On other transcripts: non-coding transcript variant (1).
Genome position (GRCh38, 1-based): chr16:16,150,197, G>T on the plus strand (C>A on the coding strand, the complement: ABCC6 is on the minus strand). VCF-style: chr16-16150197-G-T. GRCh37 (hg19) VCF-style: chr16-16244054-G-T.
Other names: c.4106C>A, p.Pro1369Gln (NM_001351800.1); short protein forms P1483Q, P1369Q.
Identifiers: ClinVar variation 1484716 (VCV001484716.4), dbSNP rs63750135, ClinGen allele CA394883560.